The following is an entry in ClinVar:

ClinVar aggregate classification (germline): Uncertain significance (1 of 4 stars; one submission).

Conditions:
Hereditary cancer-predisposing syndrome. Also called: Neoplastic Syndromes, Hereditary; Tumor predisposition; Hereditary neoplastic syndrome; Hereditary Cancer Syndrome. Identifiers: Orphanet 140162, MedGen C0027672, MeSH D009386, MONDO:0015356.

Submission:

Ambry Genetics
Classification: Uncertain significance for Hereditary cancer-predisposing syndrome. Last evaluated: 2026-07-07. Review status: criteria provided, single submitter. Criteria: Ambry Variant Classification Scheme 2023. Collection method: clinical testing. Allele origin: germline.
Comment: The p.D429N variant (also known as c.1285G>A), located in coding exon 9 of the BMPR1A gene, results from a G to A substitution at nucleotide position 1285. The aspartic acid at codon 429 is replaced by asparagine, an amino acid with highly similar properties. This amino acid position is conserved. In addition, this alteration is predicted to be deleterious by in silico analysis. Based on the available evidence, the clinical significance of this variant remains unclear.

NM_004329.3(BMPR1A):c.1285G>A (p.Asp429Asn)

Gene: BMPR1A (bone morphogenetic protein receptor type 1A; plus strand). Cytogenetic location: 10q23.2.
Variant type: single nucleotide variant.
Coding change: c.1285G>A on transcript NM_004329.3 (MANE Select); coding-DNA position 1285, G replaced by A.
Protein change: p.Asp429Asn; replaces aspartic acid 429 with asparagine.
Molecular consequence: missense variant. On other transcripts: non-coding transcript variant (3).
Genome position (GRCh38, 1-based): chr10:86,921,638, G>A. VCF-style: chr10-86921638-G-A. GRCh37 (hg19) VCF-style: chr10-88681395-G-A.
Other names: c.1285G>A, p.Asp429Asn (NM_001406569.1, NM_001406570.1, NM_001406571.1 and 19 more transcripts); c.1360G>A, p.Asp454Asn (NM_001406559.1); c.1333G>A, p.Asp445Asn (NM_001406560.1); c.1279G>A, p.Asp427Asn (NM_001406583.1); c.1201G>A, p.Asp401Asn (NM_001406584.1, NM_001406585.1, NM_001406586.1 and 2 more transcripts); c.943G>A, p.Asp315Asn (NM_001406589.1); short protein forms D427N, D445N, D401N, D315N, D454N, D429N.
Identifiers: ClinVar variation 5033006 (VCV005033006.1).
Genomic context (GRCh38, chr10:86,921,638, plus strand): 5'-GCTCCCGAAGTGCTGGACGAAAGCCTGAACAAAAACCACTTCCAGCCCTACATCATGGCT[G>A]ACATCTACAGCTTCGGCCTAATCATTTGGGAGATGGCTCGTCGTTGTATCACAGGAGGTG-3'
Protein context (NP_004320.2, residues 419-439): KNHFQPYIMA[Asp429Asn]IYSFGLIIWE